The following is an entry in ClinVar:

NM_033026.6(PCLO):c.8303T>C (p.Ile2768Thr)

Gene: PCLO (piccolo presynaptic cytomatrix protein; minus strand). Cytogenetic location: 7q21.11.
Variant type: single nucleotide variant.
Coding change: c.8303T>C on transcript NM_033026.6 (MANE Select); coding-DNA position 8303, T replaced by C.
Protein change: p.Ile2768Thr; replaces isoleucine 2768 with threonine.
Molecular consequence: missense variant.
Genome position (GRCh38, 1-based): chr7:82,952,650, A>G on the plus strand (T>C on the coding strand, the complement: PCLO is on the minus strand). VCF-style: chr7-82952650-A-G. GRCh37 (hg19) VCF-style: chr7-82581966-A-G.
Other names: c.8303T>C, p.Ile2768Thr (NM_014510.3); c.8303T>C (NM_033026.5); short protein forms I2768T.
Identifiers: ClinVar variation 1440179 (VCV001440179.11), dbSNP rs565213775, ClinGen allele CA4320145.

ClinVar aggregate classification (germline): Uncertain significance. Review status: criteria provided, multiple submitters, no conflicts (2 of 4 stars). 3 submissions from 3 submitters: Uncertain significance (3). Last evaluated 2026-03-03.

Conditions:
Inborn genetic diseases. Identifiers: MedGen C0950123, MeSH D030342.

Allele frequency attached by ClinVar (database versions not stated): ExAC 0.00002; gnomAD exomes 0.00002; gnomAD 0.00010 and 0.00011; 1000 Genomes Project 30x 0.00016; 1000 Genomes Project 0.00020; TOPMed 0.00025.
gnomAD v4.1: 37 of 1,613,936 alleles (0.0023%); highest among the groups gnomAD compares: Admixed American, 0.023%; no homozygotes.

Submissions (3):

Ambry Genetics
Classification: Uncertain significance for Inborn genetic diseases. Last evaluated: 2026-03-03. Review status: criteria provided, single submitter. Criteria: Ambry Variant Classification Scheme 2023. Collection method: clinical testing. Allele origin: germline.

Labcorp Genetics (formerly Invitae), Labcorp
Classification: Uncertain significance. Last evaluated: 2026-01-19. Review status: criteria provided, single submitter. Criteria: Invitae Variant Classification Sherloc (09022015). Collection method: clinical testing. Allele origin: germline.
Comment: This sequence change replaces isoleucine, which is neutral and non-polar, with threonine, which is neutral and polar, at codon 2768 of the PCLO protein (p.Ile2768Thr). This variant is present in population databases (rs565213775, gnomAD 0.02%). This variant has not been reported in the literature in individuals affected with PCLO-related conditions. ClinVar contains an entry for this variant (Variation ID: 1440179). Experimental studies and prediction algorithms are not available or were not evaluated, and the functional significance of this variant is currently unknown. In summary, the available evidence is currently insufficient to determine the role of this variant in disease. Therefore, it has been classified as a Variant of Uncertain Significance.

Women's Health and Genetics/Laboratory Corporation of America, LabCorp
Classification: Uncertain significance. Last evaluated: 2024-05-22. Review status: criteria provided, single submitter. Criteria: LabCorp Variant Classification Summary - May 2015. Collection method: clinical testing. Allele origin: germline.
Comment: Variant summary: PCLO c.8303T>C (p.Ile2768Thr) results in a non-conservative amino acid change in the encoded protein sequence. Four of five in-silico tools predict a benign effect of the variant on protein function. The variant allele was found at a frequency of 2.4e-05 in 248904 control chromosomes. The available data on variant occurrences in the general population are insufficient to allow any conclusion about variant significance. To our knowledge, no occurrence of c.8303T>C in individuals affected with Pontocerebellar Hypoplasia Type 3 and no experimental evidence demonstrating its impact on protein function have been reported. ClinVar contains an entry for this variant (Variation ID: 1440179). Based on the evidence outlined above, the variant was classified as uncertain significance.